The following is an entry in ClinVar:

NM_001130144.3(LTBP3):c.3275_3276delinsTT (p.Cys1092Phe)

Genes: LTBP3 (latent transforming growth factor beta binding protein 3; minus strand), LOC121832793 (Sharpr-MPRA regulatory region 4001; plus strand). Cytogenetic location: 11q13.1.
Variant type: Indel.
Coding change: c.3275_3276delinsTT on transcript NM_001130144.3 (MANE Select); coding-DNA positions 3275 to 3276, GC replaced by TT.
Protein change: p.Cys1092Phe; replaces cysteine 1092 with phenylalanine.
Molecular consequence: missense variant. On other transcripts: intron variant (2).
Genome position (GRCh38, 1-based): chr11:65,540,122-65,540,123, GC replaced by AA on the plus strand (GC replaced by TT on the coding strand, the reverse complement: LTBP3 is on the minus strand). VCF-style: chr11-65540122-GC-AA. GRCh37 (hg19) VCF-style: chr11-65307593-GC-AA.
Other names: c.2893+122_2893+123delinsTT (NM_001164266.1); c.3244+122_3244+123delinsTT (NM_021070.4); short protein forms C1092F.
Identifiers: ClinVar variation 1995921 (VCV001995921.4), dbSNP rs2496119895, ClinGen allele CA2580084510.
Genomic context (GRCh38, chr11:65,540,122, plus strand): 5'-CCAGGGCGGGCGACACTCGCAGCGGTAGGAGCCCGGCAGGTTGACGCAGCGGCCAGGGCG[GC>AA]AGGCTGCCGGGTCCTGGCACTCGTCCACGTCTACGAACAGCGAGGGGGTGGGTGGGGGCC-3'
Protein context (NP_001123616.1, residues 1082-1102): DVDECQDPAA[Cys1092Phe]RPGRCVNLPG

ClinVar aggregate classification (germline): Uncertain significance (1 of 4 stars; one submission).

Conditions:
Brachyolmia-amelogenesis imperfecta syndrome. Also called: PLATYSPONDYLY WITH AMELOGENESIS IMPERFECTA; Tooth agenesis, selective, 6; Dental anomalies and short stature. Identifiers: Orphanet 2899, MedGen C1832594, MONDO:0011018, OMIM 601216. Disease mechanism: loss of function.

Submission:

Labcorp Genetics (formerly Invitae), Labcorp
Classification: Uncertain significance for Brachyolmia-amelogenesis imperfecta syndrome. Last evaluated: 2022-05-18. Review status: criteria provided, single submitter. Criteria: Invitae Variant Classification Sherloc (09022015). Collection method: clinical testing. Allele origin: germline.
Comment: This sequence change replaces cysteine, which is neutral and slightly polar, with phenylalanine, which is neutral and non-polar, at codon 1092 of the LTBP3 protein (p.Cys1092Phe). Information on the frequency of this variant in the gnomAD database is not available, as this variant may be reported differently in the database. This variant has not been reported in the literature in individuals affected with LTBP3-related conditions. Algorithms developed to predict the effect of missense changes on protein structure and function are either unavailable or do not agree on the potential impact of this missense change (SIFT: "Not Available"; PolyPhen-2: "Probably Damaging"; Align-GVGD: "Not Available"). In summary, the available evidence is currently insufficient to determine the role of this variant in disease. Therefore, it has been classified as a Variant of Uncertain Significance.